The following is an entry in ClinVar:

NM_002547.3(OPHN1):c.292G>T (p.Glu98Ter)

Gene: OPHN1 (oligophrenin 1; minus strand). Cytogenetic location: Xq12.
Variant type: single nucleotide variant.
Coding change: c.292G>T on transcript NM_002547.3 (MANE Select); coding-DNA position 292, G replaced by T.
Protein change: p.Glu98Ter; replaces glutamic acid 98 with a stop codon.
Molecular consequence: nonsense.
Genome position (GRCh38, 1-based): chrX:68,283,076, C>A on the plus strand (G>T on the coding strand, the complement: OPHN1 is on the minus strand). VCF-style: chrX-68283076-C-A. GRCh37 (hg19) VCF-style: chrX-67502918-C-A.
Other names: short protein forms E98*.
Identifiers: ClinVar variation 3900678 (VCV003900678.1).

ClinVar aggregate classification (germline): Likely pathogenic (0 of 4 stars; one submission).

Conditions:
Intellectual developmental disorder, X-linked, syndromic, Billuart type. Also called: MENTAL RETARDATION, X-LINKED 60; X-linked intellectual disability-cerebellar hypoplasia syndrome. Identifiers: Orphanet 137831, MedGen C1845366, MONDO:0010337, OMIM 300486.

Submission:

Department of Rehabilitation, Anhui Provincial Children's Hospital
Classification: Likely pathogenic for Intellectual developmental disorder, X-linked, syndromic, Billuart type. Last evaluated: 2023-01-10. Review status: no assertion criteria provided. Collection method: clinical testing. Allele origin: maternal. Affected: yes.
Comment: The c.292G>T variant in the OPHN1 gene is a nonsense mutation that may result in premature termination of the polypeptide chain, thereby affecting gene function.